The following is an entry in ClinVar:

ClinVar aggregate classification (germline): Uncertain significance (1 of 4 stars; one submission).

Allele frequency attached by ClinVar (database versions not stated): gnomAD exomes below 0.00001.

Submission:

Labcorp Genetics (formerly Invitae), Labcorp
Classification: Uncertain significance. Last evaluated: 2022-07-14. Review status: criteria provided, single submitter. Criteria: Invitae Variant Classification Sherloc (09022015). Collection method: clinical testing. Allele origin: germline.
Comment: In summary, the available evidence is currently insufficient to determine the role of this variant in disease. Therefore, it has been classified as a Variant of Uncertain Significance. Advanced modeling of protein sequence and biophysical properties (such as structural, functional, and spatial information, amino acid conservation, physicochemical variation, residue mobility, and thermodynamic stability) performed at Invitae indicates that this missense variant is expected to disrupt LRP5 protein function. This variant has not been reported in the literature in individuals affected with LRP5-related conditions. This variant is not present in population databases (gnomAD no frequency). This sequence change replaces serine, which is neutral and polar, with phenylalanine, which is neutral and non-polar, at codon 1299 of the LRP5 protein (p.Ser1299Phe).

NM_002335.4(LRP5):c.3896C>T (p.Ser1299Phe)

Gene: LRP5 (LDL receptor related protein 5; plus strand). Cytogenetic location: 11q13.2.
Variant type: single nucleotide variant.
Coding change: c.3896C>T on transcript NM_002335.4 (MANE Select); coding-DNA position 3896, C replaced by T.
Protein change: p.Ser1299Phe; replaces serine 1299 with phenylalanine.
Molecular consequence: missense variant.
Genome position (GRCh38, 1-based): chr11:68,433,734, C>T. VCF-style: chr11-68433734-C-T. GRCh37 (hg19) VCF-style: chr11-68201202-C-T.
Other names: c.2153C>T, p.Ser718Phe (NM_001291902.2); short protein forms S1299F, S718F.
Identifiers: ClinVar variation 1972394 (VCV001972394.5), dbSNP rs2496874251, ClinGen allele CA381613858.